The following is an entry in ClinVar:

NM_001999.4(FBN2):c.2960C>G (p.Thr987Arg)

Gene: FBN2 (fibrillin 2; minus strand). Cytogenetic location: 5q23.3.
Variant type: single nucleotide variant.
Coding change: c.2960C>G on transcript NM_001999.4 (MANE Select); coding-DNA position 2960, C replaced by G.
Protein change: p.Thr987Arg; replaces threonine 987 with arginine.
Molecular consequence: missense variant.
Genome position (GRCh38, 1-based): chr5:128,349,376, G>C on the plus strand (C>G on the coding strand, the complement: FBN2 is on the minus strand). VCF-style: chr5-128349376-G-C. GRCh37 (hg19) VCF-style: chr5-127685068-G-C.
Other names: short protein forms T987R.
Identifiers: ClinVar variation 1677578 (VCV001677578.2), dbSNP rs753482534, ClinGen allele CA3395388.

ClinVar aggregate classification (germline): Uncertain significance. Review status: criteria provided, multiple submitters, no conflicts (2 of 4 stars). 2 submissions from 2 submitters: Uncertain significance (2). Last evaluated 2025-06-04.

Conditions:
Congenital contractural arachnodactyly (CCA). Also called: BEALS SYNDROME; Beals-Hecht syndrome; Arthrogryposis, distal, type 9. Identifiers: Orphanet 115, MedGen C0220668, MONDO:0007363, OMIM 121050.

gnomAD v4.1: 3 of 1,614,074 alleles (0.00019%); highest among the groups gnomAD compares: South Asian, 0.0022%; no homozygotes.

Submissions (2):

Labcorp Genetics (formerly Invitae), Labcorp
Classification: Uncertain significance for Congenital contractural arachnodactyly. Last evaluated: 2025-06-04. Review status: criteria provided, single submitter. Criteria: Invitae Variant Classification Sherloc (09022015). Collection method: clinical testing. Allele origin: germline.
Comment: This sequence change replaces threonine, which is neutral and polar, with arginine, which is basic and polar, at codon 987 of the FBN2 protein (p.Thr987Arg). This variant is present in population databases (rs753482534, gnomAD 0.003%). This variant has not been reported in the literature in individuals affected with FBN2-related conditions. ClinVar contains an entry for this variant (Variation ID: 1677578). Invitae Evidence Modeling of protein sequence and biophysical properties (such as structural, functional, and spatial information, amino acid conservation, physicochemical variation, residue mobility, and thermodynamic stability) indicates that this missense variant is not expected to disrupt FBN2 protein function with a negative predictive value of 80%. In summary, the available evidence is currently insufficient to determine the role of this variant in disease. Therefore, it has been classified as a Variant of Uncertain Significance.

AiLife Diagnostics
Classification: Uncertain significance. Last evaluated: 2021-10-21. Review status: criteria provided, single submitter. Criteria: ACMG Guidelines, 2015. Collection method: clinical testing. Allele origin: germline. Affected: yes. Observed: 1 variant allele.